The following is an entry in ClinVar:

NM_022835.3(PLEKHG2):c.1707C>T (p.Pro569=)

Gene: PLEKHG2 (pleckstrin homology and RhoGEF domain containing G2; plus strand). Cytogenetic location: 19q13.2.
Variant type: single nucleotide variant.
Coding change: c.1707C>T on transcript NM_022835.3 (MANE Select); coding-DNA position 1707, C replaced by T.
Protein change: p.Pro569=; no amino-acid change (proline 569 retained).
Molecular consequence: synonymous variant. On other transcripts: intron variant (1).
Genome position (GRCh38, 1-based): chr19:39,422,761, C>T. VCF-style: chr19-39422761-C-T. GRCh37 (hg19) VCF-style: chr19-39913401-C-T.
Other names: c.1530C>T, p.Pro510= (NM_001351693.2); c.1677+473C>T (NM_001351694.2).
Identifiers: ClinVar variation 735039 (VCV000735039.35), dbSNP rs145859648, ClinGen allele CA9429633.
Genomic context (GRCh38, chr19:39,422,761, plus strand): 5'-TGTTTGGCTTGTTCTCCTGTGCCCACTATAGCCGTCCACCCATGACATTCCCAAGTTCCC[C>T]GGAGACTCCCAGGTGCCTGGCGACAGCGAAACCCTCACATTCCAAGCCCTGCCCAGCCGG-3'
Protein context (NP_073746.2, residues 559-579): GPSTHDIPKF[Pro569=]GDSQVPGDSE

ClinVar aggregate classification (germline): Benign/Likely benign. Review status: criteria provided, multiple submitters, no conflicts (2 of 4 stars). 4 submissions from 4 submitters: Benign (2); Likely benign (1). 1 of the submissions does not count toward it. Last evaluated 2026-04-01.

Conditions:
PLEKHG2-related disorder. Also called: PLEKHG2-related condition.

Allele frequency attached by ClinVar (database versions not stated): ESP Exome Variant Server 0.00023; TOPMed 0.00065; 1000 Genomes Project 30x 0.00141; 1000 Genomes Project 0.00160.
gnomAD v4.1: 297 of 1,523,684 alleles (0.019%); highest among the groups gnomAD compares: East Asian, 0.37%; 1 homozygote.

Submissions (4):

CeGaT Center for Human Genetics Tuebingen
Classification: Likely benign. Last evaluated: 2026-04-01. Review status: criteria provided, single submitter. Criteria: CeGaT Center For Human Genetics Tuebingen Variant Classification Criteria Version 2. Collection method: clinical testing. Allele origin: germline. Affected: yes. Observed: 2 variant alleles.
Comment: PLEKHG2: BP4, BP7

Labcorp Genetics (formerly Invitae), Labcorp
Classification: Benign. Last evaluated: 2026-01-29. Review status: criteria provided, single submitter. Criteria: Invitae Variant Classification Sherloc (09022015). Collection method: clinical testing. Allele origin: germline.

Breakthrough Genomics
Classification: Benign. Review status: criteria provided, single submitter. Criteria: ACMG Guidelines, 2015. Collection method: not provided. Allele origin: germline. Inheritance: Autosomal recessive inheritance. Affected: yes.

PreventionGenetics, part of Exact Sciences
Classification: Likely benign for PLEKHG2-related condition. Last evaluated: 2019-10-30. Review status: no assertion criteria provided. Collection method: clinical testing. Allele origin: germline. Not counted in ClinVar's aggregate classification.
Comment: This variant is classified as likely benign based on ACMG/AMP sequence variant interpretation guidelines (Richards et al. 2015 PMID: 25741868, with internal and published modifications).